The following is an entry in ClinVar:

NM_002334.4(LRP4):c.1063G>A (p.Glu355Lys)

Gene: LRP4 (LDL receptor related protein 4; minus strand). Cytogenetic location: 11p11.2.
Variant type: single nucleotide variant.
Coding change: c.1063G>A on transcript NM_002334.4 (MANE Select); coding-DNA position 1063, G replaced by A.
Protein change: p.Glu355Lys; replaces glutamic acid 355 with lysine.
Molecular consequence: missense variant.
Genome position (GRCh38, 1-based): chr11:46,896,004, C>T on the plus strand (G>A on the coding strand, the complement: LRP4 is on the minus strand). VCF-style: chr11-46896004-C-T. GRCh37 (hg19) VCF-style: chr11-46917555-C-T.
Other names: short protein forms E355K.
Identifiers: ClinVar variation 1498210 (VCV001498210.7), dbSNP rs1446754894, ClinGen allele CA380287464.

ClinVar aggregate classification (germline): Uncertain significance. Review status: criteria provided, multiple submitters, no conflicts (2 of 4 stars). 2 submissions from 2 submitters: Uncertain significance (2). Last evaluated 2021-07-15.

Conditions:
Sclerosteosis 2 (SOST2). Identifiers: Orphanet 3152, MedGen C3280402, MONDO:0013679, OMIM 614305.
Cenani-Lenz syndactyly syndrome. Also called: SYNDACTYLY, TYPE VII; CENANI SYNDACTYLISM. Identifiers: Orphanet 3258, MedGen C1859309, MONDO:0008931, OMIM 212780.
Congenital myasthenic syndrome 17. Identifiers: Orphanet 590, MedGen C4225377, MONDO:0014578, OMIM 616304.

Allele frequency attached by ClinVar (database versions not stated): TOPMed below 0.00001; gnomAD exomes 0.00001.
gnomAD v4.1: 3 of 1,614,166 alleles (0.00019%); highest among the groups gnomAD compares: Admixed American, 0.005%; no homozygotes.

Submissions (2):

Fulgent Genetics
Classification: Uncertain significance for Cenani-Lenz syndactyly syndrome; Sclerosteosis 2; Congenital myasthenic syndrome 17. Last evaluated: 2021-07-15. Review status: criteria provided, single submitter. Criteria: ACMG Guidelines, 2015. Collection method: clinical testing. Allele origin: unknown.

Labcorp Genetics (formerly Invitae), Labcorp
Classification: Uncertain significance for Cenani-Lenz syndactyly syndrome; Sclerosteosis 2; Congenital myasthenic syndrome 17. Last evaluated: 2021-05-05. Review status: criteria provided, single submitter. Criteria: Invitae Variant Classification Sherloc (09022015). Collection method: clinical testing. Allele origin: germline.
Comment: In summary, the available evidence is currently insufficient to determine the role of this variant in disease. Therefore, it has been classified as a Variant of Uncertain Significance. Algorithms developed to predict the effect of missense changes on protein structure and function are either unavailable or do not agree on the potential impact of this missense change (SIFT: "Deleterious"; PolyPhen-2: "Benign"; Align-GVGD: "Class C0"). This variant has not been reported in the literature in individuals with LRP4-related conditions. This variant is not present in population databases (ExAC no frequency). This sequence change replaces glutamic acid with lysine at codon 355 of the LRP4 protein (p.Glu355Lys). The glutamic acid residue is highly conserved and there is a small physicochemical difference between glutamic acid and lysine.